The following is an entry in ClinVar:

ClinVar aggregate classification (germline): Uncertain significance. Review status: criteria provided, multiple submitters, no conflicts (2 of 4 stars). 2 submissions from 2 submitters: Uncertain significance (2). Last evaluated 2024-01-02.

gnomAD v4.1: 63 of 765,294 alleles (0.0082%); highest among the groups gnomAD compares: South Asian, 0.032%; no homozygotes.

Submissions (2):

Labcorp Genetics (formerly Invitae), Labcorp
Classification: Uncertain significance. Last evaluated: 2024-01-02. Review status: criteria provided, single submitter. Criteria: Invitae Variant Classification Sherloc (09022015). Collection method: clinical testing. Allele origin: germline.
Comment: This variant occurs in the SNORD118 gene, which encodes an RNA molecule that does not result in a protein product. This variant is present in population databases (rs769050708, gnomAD 0.03%). This variant has not been reported in the literature in individuals affected with SNORD118-related conditions. ClinVar contains an entry for this variant (Variation ID: 1911110). Experimental studies and prediction algorithms are not available or were not evaluated, and the functional significance of this variant is currently unknown. In summary, the available evidence is currently insufficient to determine the role of this variant in disease. Therefore, it has been classified as a Variant of Uncertain Significance.

Blueprint Genetics
Classification: Uncertain significance. Last evaluated: 2023-09-21. Review status: criteria provided, single submitter. Criteria: ACMG Guidelines, 2015. Collection method: clinical testing. Allele origin: germline.

NR_033294.2(SNORD118):n.69T>C

Genes: SNORD118 (small nucleolar RNA, C/D box 118; minus strand), TMEM107 (transmembrane protein 107; minus strand). Cytogenetic location: 17p13.1.
Variant type: single nucleotide variant.
Molecular consequence: non-coding transcript variant (on NR_033294.2). On other transcripts: 3 prime UTR variant (5).
Genome position: GRCh38 VCF-style: chr17-8173520-A-G. GRCh37 (hg19) VCF-style: chr17-8076838-A-G.
Other names: c.*683T>C (NM_001351278.2, NM_001351279.2, NM_001351280.2 and 2 more transcripts).
Identifiers: ClinVar variation 1911110 (VCV001911110.6), dbSNP rs769050708, ClinGen allele CA8370688.